The following is an entry in ClinVar:

ClinVar aggregate classification (germline): Uncertain significance (1 of 4 stars; one submission).

Submission:

GeneDx
Classification: Uncertain significance. Last evaluated: 2023-12-02. Review status: criteria provided, single submitter. Criteria: GeneDx Variant Classification Process June 2021. Collection method: clinical testing. Allele origin: germline. Affected: yes.
Comment: Not observed at significant frequency in large population cohorts (gnomAD); In silico analysis supports that this missense variant has a deleterious effect on protein structure/function; Has not been previously published as pathogenic or benign to our knowledge

NM_001252102.2(KIF21B):c.211C>T (p.Leu71Phe)

Gene: KIF21B (kinesin family member 21B; minus strand). Cytogenetic location: 1q32.1.
Variant type: single nucleotide variant.
Coding change: c.211C>T on transcript NM_001252102.2 (MANE Select); coding-DNA position 211, C replaced by T.
Protein change: p.Leu71Phe; replaces leucine 71 with phenylalanine.
Molecular consequence: missense variant.
Genome position (GRCh38, 1-based): chr1:201,009,319, G>A on the plus strand (C>T on the coding strand, the complement: KIF21B is on the minus strand). VCF-style: chr1-201009319-G-A. GRCh37 (hg19) VCF-style: chr1-200978447-G-A.
Other names: c.211C>T, p.Leu71Phe (NM_001252100.2, NM_001252103.2, NM_017596.4); short protein forms L71F.
Identifiers: ClinVar variation 3365231 (VCV003365231.1).